The following is an entry in ClinVar:

NM_006506.5(RASA2):c.133+6C>A

Genes: RASA2 (RAS p21 protein activator 2; plus strand), LOC129937686 (ATAC-STARR-seq lymphoblastoid silent region 14777; plus strand). Cytogenetic location: 3q23.
Variant type: single nucleotide variant.
Coding change: c.133+6C>A on transcript NM_006506.5 (MANE Select); 6 bases into the intron after coding-DNA position 133, C replaced by A.
Molecular consequence: intron variant.
Genome position (GRCh38, 1-based): chr3:141,487,222, C>A. VCF-style: chr3-141487222-C-A. GRCh37 (hg19) VCF-style: chr3-141206064-C-A.
Other names: c.133+6C>A (NM_001303245.3, NM_001303246.3, NM_001303246.1).
Identifiers: ClinVar variation 4964501 (VCV004964501.2).

ClinVar aggregate classification (germline): Likely benign. Review status: criteria provided, multiple submitters, no conflicts (2 of 4 stars). 2 submissions from 2 submitters: Likely benign (2). Last evaluated 2025-10-17.

Conditions:
RASA2-related disorder. Also called: RASA2-related condition.

gnomAD v4.1: 13 of 1,404,264 alleles (0.00093%); highest among the groups gnomAD compares: Non-Finnish European, 0.0012%; no homozygotes.

Submissions (2):

PreventionGenetics, part of Exact Sciences
Classification: Likely benign for RASA2-related condition. Last evaluated: 2025-10-17. Review status: criteria provided, single submitter. Criteria: ACMG Guidelines, 2015. Collection method: clinical testing. Allele origin: germline.
Comment: This variant is classified as likely benign based on ACMG/AMP sequence variant interpretation guidelines (Richards et al. 2015 PMID: 25741868, with internal and published modifications).

Blueprint Genetics
Classification: Likely benign. Last evaluated: 2022-11-24. Review status: criteria provided, single submitter. Criteria: ACMG Guidelines, 2015. Collection method: clinical testing. Allele origin: germline.